The following is an entry in ClinVar:

ClinVar aggregate classification (germline): Uncertain significance (1 of 4 stars; one submission).

Submission:

GeneDx
Classification: Uncertain significance. Last evaluated: 2019-12-27. Review status: criteria provided, single submitter. Criteria: GeneDx Variant Classification Process June 2021. Collection method: clinical testing. Allele origin: germline. Affected: yes.
Comment: Has not been previously published as pathogenic or benign to our knowledge; Not observed in large population cohorts (Lek 2016); In silico analysis, which includes protein predictors and evolutionary conservation, supports a deleterious effect

NM_020937.4(FANCM):c.4255G>C (p.Asp1419His)

Gene: FANCM (FA complementation group M; plus strand). Cytogenetic location: 14q21.2.
Variant type: single nucleotide variant.
Coding change: c.4255G>C on transcript NM_020937.4 (MANE Select); coding-DNA position 4255, G replaced by C.
Protein change: p.Asp1419His; replaces aspartic acid 1419 with histidine.
Molecular consequence: missense variant.
Genome position (GRCh38, 1-based): chr14:45,181,462, G>C. VCF-style: chr14-45181462-G-C. GRCh37 (hg19) VCF-style: chr14-45650665-G-C.
Other names: c.4177G>C, p.Asp1393His (NM_001308133.2); short protein forms D1393H, D1419H.
Identifiers: ClinVar variation 1311803 (VCV001311803.2), dbSNP rs2139270064, ClinGen allele CA389606941.